The following is an entry in ClinVar:

NM_001110556.2(FLNA):c.1114G>T (p.Val372Leu)

Gene: FLNA (filamin A; minus strand). Cytogenetic location: Xq28.
Variant type: single nucleotide variant.
Coding change: c.1114G>T on transcript NM_001110556.2 (MANE Select); coding-DNA position 1114, G replaced by T.
Protein change: p.Val372Leu; replaces valine 372 with leucine.
Molecular consequence: missense variant.
Genome position (GRCh38, 1-based): chrX:154,366,422, C>A on the plus strand (G>T on the coding strand, the complement: FLNA is on the minus strand). VCF-style: chrX-154366422-C-A. GRCh37 (hg19) VCF-style: chrX-153594790-C-A.
Other names: c.1114G>T (NM_001110556.1); c.1114G>T, p.Val372Leu (NM_001456.4); short protein forms V372L.
Identifiers: ClinVar variation 1163782 (VCV001163782.14), dbSNP rs781848457, ClinGen allele CA10561256.

ClinVar aggregate classification (germline): Conflicting classifications of pathogenicity. Review status: criteria provided, conflicting classifications (1 of 4 stars). 5 submissions from 5 submitters: Uncertain significance (4); Likely benign (1). Last evaluated 2026-01-30.

Conditions:
Oto-palato-digital syndrome, type II (OPD2). Also called: FACIOPALATOOSSEOUS SYNDROME; Otopalatodigital Syndrome Type 2 (FLNA-OPD2); Otopalatodigital Syndrome, Type II; OPD II SYNDROME. Identifiers: Orphanet 669, Orphanet 90652, MedGen C1844696, MONDO:0010571, OMIM 304120.
Melnick-Needles syndrome (MNS). Also called: MELNICK-NEEDLES OSTEODYSPLASTY; Melnick-Needles Syndrome (FLNA-MNS); OSTEODYSPLASTY OF MELNICK AND NEEDLES. Identifiers: Orphanet 2484, MedGen C0025237, MONDO:0010650, OMIM 309350.
Frontometaphyseal dysplasia (FMD1). Identifiers: Orphanet 1826, MedGen C0265293, MONDO:0015942.
Heterotopia, periventricular, X-linked dominant (PVNH1). Also called: PERIVENTRICULAR NODULAR HETEROTOPIA 4; HETEROTOPIA, PERIVENTRICULAR, 1; X-linked periventricular heterotopia; PERIVENTRICULAR NODULAR HETEROTOPIA 1. Identifiers: Orphanet 2149, Orphanet 82004, MedGen C1848213, MONDO:0010233, OMIM 300049.
FLNA-related disorder.

Allele frequency attached by ClinVar (database versions not stated): ExAC 0.00001; gnomAD exomes 0.00001; TOPMed 0.00001.
gnomAD v4.1: 11 of 1,211,802 alleles (0.00091%); highest among the groups gnomAD compares: Non-Finnish European, 0.0012%; no homozygotes.

Submissions (5):

PreventionGenetics, part of Exact Sciences
Classification: Uncertain significance for FLNA-related condition. Last evaluated: 2026-01-30. Review status: criteria provided, single submitter. Criteria: ACMG Guidelines, 2015. Collection method: clinical testing. Allele origin: germline.
Comment: The FLNA c.1114G>T variant is predicted to result in the amino acid substitution p.Val372Leu. To our knowledge, this variant has not been reported in the literature. This variant is reported in 0.0012% of alleles in individuals of European (Non-Finnish) descent in gnomAD. At this time, the clinical significance of this variant is uncertain due to the absence of conclusive functional and genetic evidence.

Women's Health and Genetics/Laboratory Corporation of America, LabCorp
Classification: Uncertain significance. Last evaluated: 2025-06-27. Review status: criteria provided, single submitter. Criteria: LabCorp Variant Classification Summary - May 2015. Collection method: clinical testing. Allele origin: germline.
Comment: Variant summary: FLNA c.1114G>T (p.Val372Leu) results in a conservative amino acid change in the encoded protein sequence. Algorithms developed to predict the effect of missense changes on protein structure and function are either unavailable or do not agree on the potential impact of this missense change. The variant allele was found at a frequency of 5.5e-06 in 181266 control chromosomes. The available data on variant occurrences in the general population are insufficient to allow any conclusion about variant significance. c.1114G>T has been observed in at least one individual affected with epilepsy (Li_2023). These data do not allow any conclusion about variant significance. To our knowledge, no experimental evidence demonstrating an impact on protein function has been reported. The following publication has been ascertained in the context of this evaluation (PMID: 35478072). ClinVar contains an entry for this variant (Variation ID: 1163782). Based on the evidence outlined above, the variant was classified as uncertain significance.

Labcorp Genetics (formerly Invitae), Labcorp
Classification: Likely benign for Oto-palato-digital syndrome, type II; Heterotopia, periventricular, X-linked dominant; Frontometaphyseal dysplasia; Melnick-Needles syndrome. Last evaluated: 2023-08-16. Review status: criteria provided, single submitter. Criteria: Invitae Variant Classification Sherloc (09022015). Collection method: clinical testing. Allele origin: germline.

GeneDx
Classification: Uncertain significance. Last evaluated: 2022-02-25. Review status: criteria provided, single submitter. Criteria: GeneDx Variant Classification Process June 2021. Collection method: clinical testing. Allele origin: germline. Affected: yes.
Comment: In silico analysis, which includes protein predictors and evolutionary conservation, supports a deleterious effect; Has not been previously published as pathogenic or benign to our knowledge

Mayo Clinic Laboratories, Mayo Clinic
Classification: Uncertain significance. Last evaluated: 2019-09-02. Review status: criteria provided, single submitter. Criteria: ACMG Guidelines, 2015. Collection method: clinical testing. Allele origin: germline. Observed: 1 variant allele.

Literature cited by the submitters: PubMed 35478072 (cited by Women's Health and Genetics/Laboratory Corporation of America, LabCorp).